The following is an entry in ClinVar:

NM_001377.3(DYNC2H1):c.503-2A>G

Gene: DYNC2H1 (dynein cytoplasmic 2 heavy chain 1; plus strand). Cytogenetic location: 11q22.3.
Variant type: single nucleotide variant.
Coding change: c.503-2A>G on transcript NM_001377.3 (MANE Select); the canonical splice acceptor site of the intron before coding-DNA position 503, A replaced by G.
Molecular consequence: splice acceptor variant.
Genome position (GRCh38, 1-based): chr11:103,115,175, A>G. VCF-style: chr11-103115175-A-G. GRCh37 (hg19) VCF-style: chr11-102985904-A-G.
Other names: c.503-2A>G (NM_001080463.2).
Identifiers: ClinVar variation 5019587 (VCV005019587.3).
Genomic context (GRCh38, chr11:103,115,175, plus strand): 5'-TTGTATTCATTTTTTTTTCTCTGATATTCTATGCCATTTTTTTCCCCTCTTGACTTTTAT[A>G]GGTATCCTTACACCAAGCGATGAGTTCCAGTTTTGGATAGAACAAGCTCACCGTGGAAAT-3'

ClinVar aggregate classification (germline): Likely pathogenic (1 of 4 stars; one submission).

Conditions:
Asphyxiating thoracic dystrophy 3. Also called: Short rib polydactyly syndrome 2B; Saldino-Noonan Syndrome; POLYDACTYLY WITH NEONATAL CHONDRODYSTROPHY, TYPE I; SHORT-RIB THORACIC DYSPLASIA 3/6 WITH POLYDACTYLY, DIGENIC; SHORT-RIB THORACIC DYSPLASIA 3 WITH OR WITHOUT POLYDACTYLY. Identifiers: Orphanet 474, Orphanet 93269, Orphanet 93270, Orphanet 93271, MedGen C0036069, MONDO:0013127, OMIM 613091.

Submission:

Juno Genomics, Hangzhou Juno Genomics, Inc
Classification: Likely pathogenic for Asphyxiating thoracic dystrophy 3. Review status: criteria provided, single submitter. Criteria: ACMG Guidelines, 2015. Collection method: clinical testing. Allele origin: germline.
Comment: Absent from controls (or at extremely low frequency if recessive) in Genome Aggregation Database.;Null variant in a gene where loss of function (LOF) is a known mechanism of disease.